The following is an entry in ClinVar:

ClinVar aggregate classification (germline): Likely pathogenic (1 of 4 stars; one submission).

Submission:

CeGaT Center for Human Genetics Tuebingen
Classification: Likely pathogenic. Last evaluated: 2024-08-01. Review status: criteria provided, single submitter. Criteria: CeGaT Center For Human Genetics Tuebingen Variant Classification Criteria Version 2. Collection method: clinical testing. Allele origin: germline. Affected: yes. Observed: 1 variant allele.
Comment: TSC2: PM1, PM2, PP3, PP4

NM_000548.5(TSC2):c.4634T>C (p.Ile1545Thr)

Gene: TSC2 (TSC complex subunit 2; plus strand). Cytogenetic location: 16p13.3.
Variant type: single nucleotide variant.
Coding change: c.4634T>C on transcript NM_000548.5 (MANE Select); coding-DNA position 4634, T replaced by C.
Protein change: p.Ile1545Thr; replaces isoleucine 1545 with threonine.
Molecular consequence: missense variant. On other transcripts: non-coding transcript variant (5).
Genome position (GRCh38, 1-based): chr16:2,085,294, T>C. VCF-style: chr16-2085294-T-C. GRCh37 (hg19) VCF-style: chr16-2135295-T-C.
Other names: c.4433T>C, p.Ile1478Thr (NM_001077183.3); c.4565T>C, p.Ile1522Thr (NM_001114382.3); c.4325T>C, p.Ile1442Thr (NM_001318827.2); c.4289T>C, p.Ile1430Thr (NM_001318829.2); c.3902T>C, p.Ile1301Thr (NM_001318831.2); c.4466T>C, p.Ile1489Thr (NM_001318832.2); c.4436T>C, p.Ile1479Thr (NM_001363528.2); c.4502T>C, p.Ile1501Thr (NM_001370404.1); and 26 more; short protein forms I1030T, I1031T, I1053T, I1054T, I1074T, I1278T, I1279T, I1301T.
Identifiers: ClinVar variation 3342104 (VCV003342104.16).